The following is an entry in ClinVar:

ClinVar aggregate classification (germline): Uncertain significance (1 of 4 stars; one submission).

Conditions:
Dyskeratosis congenita. Identifiers: Orphanet 1775, MedGen C0265965, MONDO:0015780.

Submission:

Ambry Genetics
Classification: Uncertain significance for Dyskeratosis congenita. Last evaluated: 2024-02-13. Review status: criteria provided, single submitter. Criteria: Ambry Variant Classification Scheme 2023. Collection method: clinical testing. Allele origin: germline.
Comment: The p.Q34P variant (also known as c.101A>C), located in coding exon 1 of the TERT gene, results from an A to C substitution at nucleotide position 101. The glutamine at codon 34 is replaced by proline, an amino acid with similar properties. This amino acid position is conserved. In addition, this alteration is predicted to be tolerated by in silico analysis. Based on the available evidence, the clinical significance of this alteration remains unclear.

NM_198253.3(TERT):c.101A>C (p.Gln34Pro)

Genes: TERT (telomerase reverse transcriptase; minus strand), LOC110806263 (TERT 5' regulatory region; plus strand). Cytogenetic location: 5p15.33.
Variant type: single nucleotide variant.
Coding change: c.101A>C on transcript NM_198253.3 (MANE Select); coding-DNA position 101, A replaced by C.
Protein change: p.Gln34Pro; replaces glutamine 34 with proline.
Molecular consequence: missense variant. On other transcripts: non-coding transcript variant (2).
Genome position (GRCh38, 1-based): chr5:1,294,889, T>G on the plus strand (A>C on the coding strand, the complement: TERT is on the minus strand). VCF-style: chr5-1294889-T-G. GRCh37 (hg19) VCF-style: chr5-1295004-T-G.
Other names: c.101A>C, p.Gln34Pro (NM_001193376.3, NM_003219.1); short protein forms Q34P.
Identifiers: ClinVar variation 3238502 (VCV003238502.1), dbSNP rs2478434765.